The following is an entry in ClinVar:

NM_000037.4(ANK1):c.427-2A>G

Genes: ANK1 (ankyrin 1; minus strand), LOC124153154 (Sharpr-MPRA regulatory region 1462; plus strand). Cytogenetic location: 8p11.21.
Variant type: single nucleotide variant.
Coding change: c.427-2A>G on transcript NM_000037.4 (MANE Select); the canonical splice acceptor site of the intron before coding-DNA position 427, A replaced by G.
Molecular consequence: splice acceptor variant.
Genome position (GRCh38, 1-based): chr8:41,725,948, T>C on the plus strand (A>G on the coding strand, the complement: ANK1 is on the minus strand). VCF-style: chr8-41725948-T-C. GRCh37 (hg19) VCF-style: chr8-41583466-T-C.
Other names: c.526-2A>G (NM_001142446.2); c.427-2A>G (NM_020477.3, NM_020475.3, NM_020476.3).
Identifiers: ClinVar variation 2921191 (VCV002921191.1), dbSNP rs2486988534, ClinGen allele CA371044846.

ClinVar aggregate classification (germline): Likely pathogenic (1 of 4 stars; one submission).

Conditions:
Hereditary spherocytosis type 1. Also called: Spherocytosis type 1; ANK1-Related Spherocytosis. Identifiers: Orphanet 822, MedGen C2674218, MONDO:0008447, OMIM 182900.

Submission:

ARUP Laboratories, Molecular Genetics and Genomics, ARUP Laboratories
Classification: Likely pathogenic for Hereditary spherocytosis type 1. Last evaluated: 2023-06-30. Review status: criteria provided, single submitter. Criteria: ARUP Molecular Germline Variant Investigation Process 2024. Collection method: clinical testing. Allele origin: germline.
Comment: The ANK1 c.427-2A>G variant is reported in the literature in one individual affected with hereditary spherocytosis (Shi 2023). This variant is absent from the Genome Aggregation Database, indicating it is not a common polymorphism. This variant disrupts the canonical splice acceptor site of intron 5, which is likely to negatively impact gene function. Based on available information, this variant is considered to be likely pathogenic. REFERENCES Shi Y et al. Genotype-degree of hemolysis correlation in hereditary spherocytosis. BMC Genomics. 2023 Jun 6. PMID: 37280519